The following is an entry in ClinVar:

NM_001286.5(CLCN6):c.1248+6C>T

Gene: CLCN6 (chloride voltage-gated channel 6; plus strand). Cytogenetic location: 1p36.22.
Variant type: single nucleotide variant.
Coding change: c.1248+6C>T on transcript NM_001286.5 (MANE Select); 6 bases into the intron after coding-DNA position 1248, C replaced by T.
Molecular consequence: intron variant.
Genome position (GRCh38, 1-based): chr1:11,829,328, C>T. VCF-style: chr1-11829328-C-T. GRCh37 (hg19) VCF-style: chr1-11889385-C-T.
Other names: c.1182+6C>T (NM_001256959.2).
Identifiers: ClinVar variation 4716767 (VCV004716767.1).

ClinVar aggregate classification (germline): Uncertain significance (1 of 4 stars; one submission).

Submission:

Labcorp Genetics (formerly Invitae), Labcorp
Classification: Uncertain significance. Last evaluated: 2025-04-07. Review status: criteria provided, single submitter. Criteria: Invitae Variant Classification Sherloc (09022015). Collection method: clinical testing. Allele origin: germline.
Comment: This sequence change falls in intron 13 of the CLCN6 gene. It does not directly change the encoded amino acid sequence of the CLCN6 protein. It affects a nucleotide within the consensus splice site. This variant is not present in population databases (gnomAD no frequency). This variant has not been reported in the literature in individuals affected with CLCN6-related conditions. Variants that disrupt the consensus splice site are a relatively common cause of aberrant splicing (PMID: 17576681, 9536098). Algorithms developed to predict the effect of sequence changes on RNA splicing suggest that this variant is not likely to affect RNA splicing. In summary, the available evidence is currently insufficient to determine the role of this variant in disease. Therefore, it has been classified as a Variant of Uncertain Significance.

Literature cited by the submitters: PubMed 17576681; PubMed 9536098.